The following is an entry in ClinVar:

ClinVar aggregate classification (germline): Pathogenic (1 of 4 stars; one submission).

Conditions:
Junctional epidermolysis bullosa. Identifiers: Orphanet 305, MedGen C0079301, MONDO:0017612.

Submission:

Myriad Genetics, Inc.
Classification: Pathogenic for Junctional epidermolysis bullosa. Last evaluated: 2026-01-16. Review status: criteria provided, single submitter. Criteria: Myriad Autosomal Dominant, Autosomal Recessive and X-Linked Classification Criteria (2023). Collection method: clinical testing. Allele origin: unknown.
Comment: NM_000227.3(LAMA3):c.766dupA(T256Nfs*33) is a frameshift variant classified as pathogenic in the context of junctional epidermolysis bullosa, LAMA3-related. T256Nfs*33 has not been observed in cases with relevant disease. Relevant functional assessments of this variant are not available in the literature. T256Nfs*33 has not been observed in referenced population frequency databases. In summary, NM_000227.3(LAMA3):c.766dupA(T256Nfs*33) is a frameshift variant in a gene where loss of function is a known mechanism of disease and is predicted to disrupt protein function. Please note: this variant was assessed in the context of healthy population screening.

NM_198129.4(LAMA3):c.5593dup (p.Thr1865fs)

Gene: LAMA3 (laminin subunit alpha 3; plus strand). Cytogenetic location: 18q11.2.
Variant type: Duplication.
Coding change: c.5593dup on transcript NM_198129.4 (MANE Select); coding-DNA position 5593, one base duplicated (A; older notation c.5593dupA).
Protein change: p.Thr1865fs; shifts the reading frame from threonine 1865.
Molecular consequence: frameshift variant.
Genome position (GRCh38, 1-based): chr18:23,895,038, A duplicated. VCF-style (leftmost placement, unchanged base first): chr18-23895037-G-GA. GRCh37 (hg19) VCF-style: chr18-21475001-G-GA.
Other names: c.766dup, p.Thr256fs (NM_000227.6, NM_001127718.4); c.5593dup, p.Thr1865fs (NM_001127717.4); short protein forms T256fs, T1865fs.
Identifiers: ClinVar variation 5004399 (VCV005004399.1).